The following is an entry in ClinVar:

NM_000458.4(HNF1B):c.226G>T (p.Gly76Cys)

Gene: HNF1B (HNF1 homeobox B; minus strand). Cytogenetic location: 17q12.
Variant type: single nucleotide variant.
Coding change: c.226G>T on transcript NM_000458.4 (MANE Select); coding-DNA position 226, G replaced by T.
Protein change: p.Gly76Cys; replaces glycine 76 with cysteine.
Molecular consequence: missense variant.
Genome position (GRCh38, 1-based): chr17:37,744,659, C>A on the plus strand (G>T on the coding strand, the complement: HNF1B is on the minus strand). VCF-style: chr17-37744659-C-A. GRCh37 (hg19) VCF-style: chr17-36104650-C-A.
Other names: NM_000458.3(HNF1B):c.226G>T(p.Gly76Cys); NM_001165923.3(HNF1B):c.226G>T(p.Gly76Cys); NM_001304286.1(HNF1B):c.226G>T(p.Gly76Cys); c.226G>T, p.Gly76Cys (NM_001165923.4, NM_001304286.2); short protein forms G76C.
Identifiers: ClinVar variation 193102 (VCV000193102.35), dbSNP rs144425830, ClinGen allele CA200314.

ClinVar aggregate classification (germline): Conflicting classifications of pathogenicity. Review status: criteria provided, conflicting classifications (1 of 4 stars). 19 submissions from 18 submitters: Likely pathogenic (1); Uncertain significance (6); Benign (1); Likely benign (7). 4 of the submissions do not count toward it. Last evaluated 2026-08-06.

Conditions:
HNF1B-related disorder. Also called: HNF1B-related disorders; HNF1B-related condition.
Congenital anomaly of kidney and urinary tract. Also called: Congenital anomalies of the kidney and urinary tract; Congenital anomalies of kidney and urinary tract. Identifiers: Orphanet 93545, MedGen C1968949, MeSH C566906, MONDO:0019719.
Renal cysts and diabetes syndrome (RCAD). Also called: MATURITY-ONSET DIABETES OF THE YOUNG, TYPE 5; Familial hypoplastic, glomerulocystic kidney. Identifiers: Orphanet 93111, MedGen C0431693, MONDO:0007669, OMIM 137920.
Nonpapillary renal cell carcinoma. Identifiers: Orphanet 422526, MedGen CN074294, MONDO:0007763, OMIM 144700.

Allele frequency attached by ClinVar (database versions not stated): gnomAD exomes 0.00035; ESP Exome Variant Server 0.00038; ExAC 0.00045; 1000 Genomes Project 0.00060; gnomAD 0.00061; 1000 Genomes Project 30x 0.00078.
gnomAD v4.1: 643 of 1,613,178 alleles (0.04%); highest among the groups gnomAD compares: Middle Eastern, 0.28%; 3 homozygotes.

Submissions (19):

OLLIN Analises Genomicas, OLLIN
Classification: Uncertain significance for Renal cysts and diabetes syndrome. Last evaluated: 2026-08-06. Review status: criteria provided, single submitter. Criteria: ACMG Guidelines 2015 PMID 25741868. Collection method: clinical testing. Allele origin: germline.
Comment: This missense variant, located in exon 1 (of 9), has been reported in ClinVar (accession VCV000193102.33) and in gnomAD with an allele frequency of 0.04%. However, to our knowledge, it has not been reported in the scientific literature. In silico analysis predicts that this variant has a deleterious effect. This gene is constrained for missense variation. According to the currently available evidence, this variant has been classified as uncertain significance (PP2_S, PP3_M, BS1).

Labcorp Genetics (formerly Invitae), Labcorp
Classification: Likely benign. Last evaluated: 2025-11-12. Review status: criteria provided, single submitter. Criteria: Invitae Variant Classification Sherloc (09022015). Collection method: clinical testing. Allele origin: germline.

Genomic Medicine Center of Excellence, King Faisal Specialist Hospital and Research Centre
Classification: Uncertain significance for Renal cysts and diabetes syndrome. Last evaluated: 2025-09-10. Review status: criteria provided, single submitter. Criteria: ACMG Guidelines, 2015. Collection method: clinical testing. Allele origin: germline.

Mayo Clinic Laboratories, Mayo Clinic
Classification: Uncertain significance. Last evaluated: 2025-09-03. Review status: criteria provided, single submitter. Criteria: ACMG Guidelines, 2015. Collection method: clinical testing. Allele origin: germline. Observed: 2 variant alleles.
Comment: BS1, PP3_moderate

Bioscientia Institut fuer Medizinische Diagnostik GmbH, Sonic Healthcare
Classification: Likely pathogenic for Renal cysts and diabetes syndrome. Last evaluated: 2025-04-01. Review status: criteria provided, single submitter. Criteria: ACMG Guidelines, 2015. Collection method: clinical testing. Allele origin: germline. Affected: yes.

ARUP Laboratories, Molecular Genetics and Genomics, ARUP Laboratories
Classification: Likely benign. Last evaluated: 2025-03-13. Review status: criteria provided, single submitter. Criteria: ARUP Molecular Germline Variant Investigation Process 2024. Collection method: clinical testing. Allele origin: germline.

KCCC/NGS Laboratory, Kuwait Cancer Control Center
Classification: Benign for Renal cysts and diabetes syndrome. Last evaluated: 2025-02-01. Review status: criteria provided, single submitter. Criteria: ACMG Guidelines, 2015. Collection method: clinical testing. Allele origin: germline. Affected: no.

KCCC/NGS Laboratory, Kuwait Cancer Control Center
Classification: Likely benign for Nonpapillary renal cell carcinoma. Last evaluated: 2023-07-07. Review status: criteria provided, single submitter. Criteria: ACMG Guidelines, 2015. Collection method: clinical testing. Allele origin: germline. Affected: yes.

Women's Health and Genetics/Laboratory Corporation of America, LabCorp
Classification: Likely benign. Last evaluated: 2023-05-22. Review status: criteria provided, single submitter. Criteria: LabCorp Variant Classification Summary - May 2015. Collection method: clinical testing. Allele origin: germline.

GeneDx
Classification: Uncertain significance. Last evaluated: 2022-03-16. Review status: criteria provided, single submitter. Criteria: GeneDx Variant Classification Process June 2021. Collection method: clinical testing. Allele origin: germline. Affected: yes.
Comment: Identified in multiple patients with structural renal abnormalities, however, family segregation studies have been limited, functional studies have not been performed, and only the HNF1B gene was sequenced in most publications (Ulinski et al., 2006; Nakayama et al., 2010; Musetti et al., 2014, Raaijmakers et al., 2015; Okorn et al., 2019); Identified in an individual with maturity-onset diabetes of the young, however, additional clinical and segregation information was not provided (Bellanne-Chatelot et al., 2005); Identified in randomly selected individuals from the Framingham and Jackson Heart Studies (Flannick et al., 2013); In silico analysis, which includes protein predictors and evolutionary conservation, supports a deleterious effect; This variant is associated with the following publications: (PMID: 21775974, 24097065, 24387224, 20155289, 26764160, 25500806, 16249435, 30666461, 16371430, 31365591, 34426522, 33324081)

Institute of Human Genetics, FAU Erlangen, Friedrich-Alexander-Universität Erlangen-Nürnberg
Classification: Uncertain significance for Renal cysts and diabetes syndrome. Last evaluated: 2019-07-06. Review status: criteria provided, single submitter. Criteria: ACMG Guidelines, 2015. Collection method: literature only. Allele origin: germline. Affected: yes.
Comment: This variant and it's classification has been reported by Vasileiou et al. 2019; DOI:10.1101/576918. The variants has previously been reported in LOVD:#0000325358; PMID:25700310; PMID:16371430; PMID:16249435; PMID:24387224; PMID:25500806; PMID:25536396 as "HNF1B:NM_000458.2:c.226G>T; c.226G>T; c.G226T p.Gly76Cys; E1: c.226G>T (p.Gly76Cys) (INH) ; c.226G>T" with clinical significance Likely pathogenic; Pathogenic. It has been re-classified using InterVar and manual curation as Uncertain significance based on PM1 PP3 PP5 BP6.

Athena Diagnostics
Classification: Likely benign. Last evaluated: 2018-11-23. Review status: criteria provided, single submitter. Criteria: Athena Diagnostics Criteria. Collection method: clinical testing. Allele origin: germline.

SIB Swiss Institute of Bioinformatics
Classification: Uncertain significance for Renal cysts and diabetes syndrome. Last evaluated: 2018-05-31. Review status: criteria provided, single submitter. Criteria: ACMG Guidelines, 2015. Collection method: curation. Allele origin: unknown.
Comment: This variant is interpreted as a Uncertain Significance - Conflicting Evidence, for Renal cysts and diabetes syndrome, in Autosomal Dominant manner. The following ACMG Tag(s) were applied: BS1 => Allele frequency is greater than expected for disorder (PMID:23539225). PP3 => Multiple lines of computational evidence support a deleterious effect on the gene or gene product.

Illumina Laboratory Services, Illumina
Classification: Likely benign for Renal cysts and diabetes syndrome. Last evaluated: 2017-04-27. Review status: criteria provided, single submitter. Criteria: ICSL Variant Classification Criteria 13 December 2019. Collection method: clinical testing. Allele origin: germline.
Comment: This variant was observed as part of a predisposition screen in an ostensibly healthy population. A literature search was performed for the gene, cDNA change, and amino acid change (where applicable). Publications were found based on this search. The evidence from the literature, in combination with allele frequency data from public databases where available, was sufficient to determine this variant is unlikely to cause disease. Therefore, this variant is classified as likely benign.

Eurofins Ntd Llc (ga)
Classification: Likely benign. Last evaluated: 2015-06-04. Review status: criteria provided, single submitter. Criteria: EGL Classification Definitions 2015. Collection method: clinical testing. Allele origin: germline. Observed: 1 variant allele, 1 heterozygote.

PreventionGenetics, part of Exact Sciences
Classification: Likely benign for HNF1B-related condition. Last evaluated: 2020-01-29. Review status: no assertion criteria provided. Collection method: clinical testing. Allele origin: germline. Not counted in ClinVar's aggregate classification.
Comment: This variant is classified as likely benign based on ACMG/AMP sequence variant interpretation guidelines (Richards et al. 2015 PMID: 25741868, with internal and published modifications).

Sydney Genome Diagnostics, Children's Hospital Westmead
Classification: Likely benign for Congenital anomaly of kidney and urinary tract. Last evaluated: 2018-10-25. Review status: no assertion criteria provided. Collection method: clinical testing. Allele origin: unknown. Affected: yes. Observed: 1 variant allele, 1 heterozygote. Not counted in ClinVar's aggregate classification.

Genome Diagnostics Laboratory, University Medical Center Utrecht
Classification: Benign. Review status: no assertion criteria provided. Collection method: clinical testing. Allele origin: germline. Affected: yes. Study: VKGL Data-share Consensus. Not counted in ClinVar's aggregate classification.

Laboratory of Diagnostic Genome Analysis, Leiden University Medical Center (LUMC)
Classification: Likely benign. Review status: no assertion criteria provided. Collection method: clinical testing. Allele origin: germline. Affected: yes. Study: VKGL Data-share Consensus. Not counted in ClinVar's aggregate classification.

Literature cited by the submitters: PubMed 16249435 (cited by 4 submitters); PubMed 20155289 (cited by Mayo Clinic Laboratories, Mayo Clinic and Athena Diagnostics); PubMed 24387224 (cited by 3 submitters); PubMed 26024028 (cited by Mayo Clinic Laboratories, Mayo Clinic and Athena Diagnostics); PubMed 26059258 (cited by Mayo Clinic Laboratories, Mayo Clinic and Athena Diagnostics); PubMed 31365591 (cited by Mayo Clinic Laboratories, Mayo Clinic); PubMed 31595705 (cited by Mayo Clinic Laboratories, Mayo Clinic); PubMed 33324081 (cited by Mayo Clinic Laboratories, Mayo Clinic); PubMed 39364395 (cited by Mayo Clinic Laboratories, Mayo Clinic); PubMed 25700310 (cited by Institute of Human Genetics, FAU Erlangen, Friedrich-Alexander-Universität Erlangen-Nürnberg); PubMed 16371430 (cited by Institute of Human Genetics, FAU Erlangen, Friedrich-Alexander-Universität Erlangen-Nürnberg and Athena Diagnostics); PubMed 25500806 (cited by Institute of Human Genetics, FAU Erlangen, Friedrich-Alexander-Universität Erlangen-Nürnberg and Athena Diagnostics); PubMed 25536396 (cited by Institute of Human Genetics, FAU Erlangen, Friedrich-Alexander-Universität Erlangen-Nürnberg); DOI 10.1101/576918 (cited by Institute of Human Genetics, FAU Erlangen, Friedrich-Alexander-Universität Erlangen-Nürnberg); PubMed 24961278 (cited by Athena Diagnostics); PubMed 26226118 (cited by Athena Diagnostics); PubMed 23539225 (cited by 4 submitters); PubMed 24897035 (cited by Athena Diagnostics); PubMed 21775974 (cited by Athena Diagnostics and Illumina Laboratory Services, Illumina).